The following is an entry in ClinVar:

NM_001286.5(CLCN6):c.2390C>T (p.Pro797Leu)

Gene: CLCN6 (chloride voltage-gated channel 6; plus strand). Cytogenetic location: 1p36.22.
Variant type: single nucleotide variant.
Coding change: c.2390C>T on transcript NM_001286.5 (MANE Select); coding-DNA position 2390, C replaced by T.
Protein change: p.Pro797Leu; replaces proline 797 with leucine.
Molecular consequence: missense variant. On other transcripts: non-coding transcript variant (1).
Genome position (GRCh38, 1-based): chr1:11,838,429, C>T. VCF-style: chr1-11838429-C-T. GRCh37 (hg19) VCF-style: chr1-11898486-C-T.
Other names: c.2324C>T, p.Pro775Leu (NM_001256959.2); short protein forms P775L, P797L.
Identifiers: ClinVar variation 1960767 (VCV001960767.5), dbSNP rs1226998141, ClinGen allele CA338443100.

ClinVar aggregate classification (germline): Uncertain significance (1 of 4 stars; one submission).

Allele frequency attached by ClinVar (database versions not stated): gnomAD exomes below 0.00001.
gnomAD v4.1: 3 of 1,614,144 alleles (0.00019%); highest among the groups gnomAD compares: Non-Finnish European, 0.00025%; no homozygotes.

Submission:

Labcorp Genetics (formerly Invitae), Labcorp
Classification: Uncertain significance. Last evaluated: 2023-02-24. Review status: criteria provided, single submitter. Criteria: Invitae Variant Classification Sherloc (09022015). Collection method: clinical testing. Allele origin: germline.
Comment: This sequence change replaces proline, which is neutral and non-polar, with leucine, which is neutral and non-polar, at codon 797 of the CLCN6 protein (p.Pro797Leu). This variant is not present in population databases (gnomAD no frequency). This variant has not been reported in the literature in individuals affected with CLCN6-related conditions. ClinVar contains an entry for this variant (Variation ID: 1960767). An algorithm developed to predict the effect of missense changes on protein structure and function (PolyPhen-2) suggests that this variant is likely to be tolerated. In summary, the available evidence is currently insufficient to determine the role of this variant in disease. Therefore, it has been classified as a Variant of Uncertain Significance.